The following is an entry in ClinVar:

ClinVar aggregate classification (germline): Uncertain significance (1 of 4 stars; one submission).

Conditions:
Hereditary pheochromocytoma and paraganglioma. Also called: Hereditary paragangliomas and pheochromocytomas; Hereditary Paraganglioma-Pheochromocytoma Syndromes; Hereditary pheochromocytoma-paraganglioma. Identifiers: Orphanet 29072, MedGen C4274332, MONDO:0017366.

Submission:

Labcorp Genetics (formerly Invitae), Labcorp
Classification: Uncertain significance for Hereditary pheochromocytoma and paraganglioma. Last evaluated: 2023-04-20. Review status: criteria provided, single submitter. Criteria: Invitae Variant Classification Sherloc (09022015). Collection method: clinical testing. Allele origin: germline.
Comment: An algorithm developed to predict the effect of missense changes on protein structure and function (PolyPhen-2) suggests that this variant is likely to be disruptive. In summary, the available evidence is currently insufficient to determine the role of this variant in disease. Therefore, it has been classified as a Variant of Uncertain Significance. This variant has not been reported in the literature in individuals affected with TMEM127-related conditions. This sequence change replaces glycine, which is neutral and non-polar, with valine, which is neutral and non-polar, at codon 184 of the TMEM127 protein (p.Gly184Val). This variant is not present in population databases (gnomAD no frequency).

NM_017849.4(TMEM127):c.551G>T (p.Gly184Val)

Gene: TMEM127 (transmembrane protein 127; minus strand). Cytogenetic location: 2q11.2.
Variant type: single nucleotide variant.
Coding change: c.551G>T on transcript NM_017849.4 (MANE Select); coding-DNA position 551, G replaced by T.
Protein change: p.Gly184Val; replaces glycine 184 with valine.
Molecular consequence: missense variant.
Genome position (GRCh38, 1-based): chr2:96,253,974, C>A on the plus strand (G>T on the coding strand, the complement: TMEM127 is on the minus strand). VCF-style: chr2-96253974-C-A. GRCh37 (hg19) VCF-style: chr2-96919712-C-A.
Other names: c.551G>T, p.Gly184Val (NM_001193304.3); c.299G>T, p.Gly100Val (NM_001407282.1, NM_001407283.1); short protein forms G100V, G184V.
Identifiers: ClinVar variation 2975048 (VCV002975048.3), dbSNP rs2104284191, ClinGen allele CA347652387.
Genomic context (GRCh38, chr2:96,253,974, plus strand): 5'-TCTTCCTCTGTGGGGTAGTGGCGCAGGAGGTTGGCTGCCGTGGCCAGGATTGAGGCTCCA[C>A]CAGCTCCTGCCACCAGGTAGAAGCTAACGGCGAAGGTGACATAGACCTGGGATCCATGGT-3'
Protein context (NP_060319.1, residues 174-194): AVSFYLVAGA[Gly184Val]GASILATAAN